The following is an entry in ClinVar:

ClinVar aggregate classification (germline): Conflicting classifications of pathogenicity. Review status: criteria provided, conflicting classifications (1 of 4 stars). 6 submissions from 6 submitters: Uncertain significance (1); Likely benign (4). 1 of the submissions does not count toward it. Last evaluated 2026-01-10.

Conditions:
Cardiovascular phenotype. Identifiers: MedGen CN230736.
MYPN-related disorder. Also called: MYPN-related condition.
Dilated cardiomyopathy 1KK (CMD1KK). Identifiers: Orphanet 154, Orphanet 75249, MedGen C3714995, MONDO:0014100, OMIM 615248.

Allele frequency attached by ClinVar (database versions not stated): gnomAD 0.00009; TOPMed 0.00012; ExAC 0.00018; gnomAD exomes 0.00025; 1000 Genomes Project 30x 0.00047; 1000 Genomes Project 0.00060.
gnomAD v4.1: 93 of 1,614,096 alleles (0.0058%); highest among the groups gnomAD compares: East Asian, 0.19%; no homozygotes.

Submissions (6):

Labcorp Genetics (formerly Invitae), Labcorp
Classification: Likely benign for Dilated cardiomyopathy 1KK. Last evaluated: 2026-01-10. Review status: criteria provided, single submitter. Criteria: Invitae Variant Classification Sherloc (09022015). Collection method: clinical testing. Allele origin: germline.

Blueprint Genetics
Classification: Likely benign. Last evaluated: 2024-05-03. Review status: criteria provided, single submitter. Criteria: ACMG Guidelines, 2015. Collection method: clinical testing. Allele origin: germline.

Ambry Genetics
Classification: Likely benign for Cardiovascular phenotype. Last evaluated: 2019-05-17. Review status: criteria provided, single submitter. Criteria: Ambry Variant Classification Scheme 2023. Collection method: clinical testing. Allele origin: germline.

Laboratory for Molecular Medicine, Mass General Brigham Personalized Medicine
Classification: Likely benign. Last evaluated: 2017-05-19. Review status: criteria provided, single submitter. Criteria: LMM Criteria. Collection method: clinical testing. Allele origin: germline. Observed: 1 variant allele.
Comment: p.Ile754Leu in exon 12 of MYPN: This variant is not expected to have clinical si gnificance because it has been identified in 0.30% (57/18866) of East Asian chro mosomes by the genome Aggregation Database (gnomAD .org/; dbSNP rs201245117). This variant also has a lack of conservation across s pecies, including mammals. Of note, brush tailed-rat, pika, and shrew have a leu cine (Leu) at this position despite high nearby amino acid conservation. In addi tion, computational prediction tools do not suggest a high likelihood of impact to the protein.

Biesecker Lab/Clinical Genomics Section, National Institutes of Health
Classification: Uncertain significance. Last evaluated: 2013-06-24. Review status: criteria provided, single submitter. Criteria: Ng et al. (Circ Cardiovasc Genet. 2013). Collection method: research. Allele origin: unknown. Observed: 1 variant allele. Study: ClinSeq.
Comment: The study set was not selected for affection status in relation to any cancer. Pathogenicity categories were based on literature curation. See Pubmed ID:23861362 for details.

Medical sequencing

PreventionGenetics, part of Exact Sciences
Classification: Likely benign for MYPN-related condition. Last evaluated: 2024-05-22. Review status: no assertion criteria provided. Collection method: clinical testing. Allele origin: germline. Not counted in ClinVar's aggregate classification.
Comment: This variant is classified as likely benign based on ACMG/AMP sequence variant interpretation guidelines (Richards et al. 2015 PMID: 25741868, with internal and published modifications).

Literature cited by the submitters: PubMed 23861362 (cited by Laboratory for Molecular Medicine, Mass General Brigham Personalized Medicine).

NM_032578.4(MYPN):c.2260A>C (p.Ile754Leu)

Gene: MYPN (myopalladin; plus strand). Cytogenetic location: 10q21.3.
Variant type: single nucleotide variant.
Coding change: c.2260A>C on transcript NM_032578.4 (MANE Select); coding-DNA position 2260, A replaced by C.
Protein change: p.Ile754Leu; replaces isoleucine 754 with leucine.
Molecular consequence: missense variant. On other transcripts: non-coding transcript variant (2).
Genome position (GRCh38, 1-based): chr10:68,174,352, A>C. VCF-style: chr10-68174352-A-C. GRCh37 (hg19) VCF-style: chr10-69934109-A-C.
Other names: c.2260A>C, p.Ile754Leu (NM_001256267.2); c.1378A>C, p.Ile460Leu (NM_001256268.2); short protein forms I754L, I460L.
Identifiers: ClinVar variation 191753 (VCV000191753.31), dbSNP rs201245117, ClinGen allele CA237460.